The following is an entry in ClinVar:

ClinVar aggregate classification (germline): Uncertain significance (1 of 4 stars; one submission).

Conditions:
Nemaline myopathy 6 (NEM6). Also called: Nemaline myopathy 6, autosomal dominant. Identifiers: Orphanet 171439, MedGen C1836472, MONDO:0012237, OMIM 609273.

Submission:

Labcorp Genetics (formerly Invitae), Labcorp
Classification: Uncertain significance for Nemaline myopathy 6. Last evaluated: 2021-01-21. Review status: criteria provided, single submitter. Criteria: Invitae Variant Classification Sherloc (09022015). Collection method: clinical testing. Allele origin: germline.
Comment: This sequence change replaces alanine with proline at codon 114 of the KBTBD13 protein (p.Ala114Pro). The alanine residue is moderately conserved and there is a small physicochemical difference between alanine and proline. The frequency data for this variant in the population databases is considered unreliable, as metrics indicate insufficient coverage at this position in the ExAC database. This variant has not been reported in the literature in individuals with KBTBD13-related conditions. Algorithms developed to predict the effect of missense changes on protein structure and function are either unavailable or do not agree on the potential impact of this missense change (SIFT: "Tolerated"; PolyPhen-2: "Probably Damaging"; Align-GVGD: "Class C0"). In summary, the available evidence is currently insufficient to determine the role of this variant in disease. Therefore, it has been classified as a Variant of Uncertain Significance.

NM_001101362.3(KBTBD13):c.340G>C (p.Ala114Pro)

Gene: KBTBD13 (kelch repeat and BTB domain containing 13; plus strand). Cytogenetic location: 15q22.31.
Variant type: single nucleotide variant.
Coding change: c.340G>C on transcript NM_001101362.3 (MANE Select); coding-DNA position 340, G replaced by C.
Protein change: p.Ala114Pro; replaces alanine 114 with proline.
Molecular consequence: missense variant.
Genome position (GRCh38, 1-based): chr15:65,077,155, G>C. VCF-style: chr15-65077155-G-C. GRCh37 (hg19) VCF-style: chr15-65369493-G-C.
Other names: short protein forms A114P.
Identifiers: ClinVar variation 1461207 (VCV001461207.8), dbSNP rs1344068633, ClinGen allele CA392859965.